The following is an entry in ClinVar:

ClinVar aggregate classification (germline): Uncertain significance. Review status: criteria provided, multiple submitters, no conflicts (2 of 4 stars). 2 submissions from 2 submitters: Uncertain significance (2). Last evaluated 2025-06-03.

Conditions:
Inborn genetic diseases. Identifiers: MedGen C0950123, MeSH D030342.

Allele frequency attached by ClinVar (database versions not stated): ExAC 0.00001; gnomAD exomes below 0.00001.
gnomAD v4.1: 2 of 1,614,016 alleles (0.00012%); highest among the groups gnomAD compares: Admixed American, 0.0033%; no homozygotes.

Submissions (2):

Ambry Genetics
Classification: Uncertain significance for Inborn genetic diseases. Last evaluated: 2025-06-03. Review status: criteria provided, single submitter. Criteria: Ambry Variant Classification Scheme 2023. Collection method: clinical testing. Allele origin: germline.

Labcorp Genetics (formerly Invitae), Labcorp
Classification: Uncertain significance. Last evaluated: 2024-08-05. Review status: criteria provided, single submitter. Criteria: Invitae Variant Classification Sherloc (09022015). Collection method: clinical testing. Allele origin: germline.
Comment: This sequence change replaces histidine, which is basic and polar, with arginine, which is basic and polar, at codon 148 of the ADSSL1 protein (p.His148Arg). This variant is present in population databases (rs772867061, gnomAD 0.006%). This variant has not been reported in the literature in individuals affected with ADSSL1-related conditions. An algorithm developed to predict the effect of missense changes on protein structure and function (PolyPhen-2) suggests that this variant is likely to be disruptive. In summary, the available evidence is currently insufficient to determine the role of this variant in disease. Therefore, it has been classified as a Variant of Uncertain Significance.

NM_152328.5(ADSS1):c.314A>G (p.His105Arg)

Gene: ADSS1 (adenylosuccinate synthase 1; plus strand). Cytogenetic location: 14q32.33.
Variant type: single nucleotide variant.
Coding change: c.314A>G on transcript NM_152328.5 (MANE Select); coding-DNA position 314, A replaced by G.
Protein change: p.His105Arg; replaces histidine 105 with arginine.
Molecular consequence: missense variant. On other transcripts: 5 prime UTR variant (1).
Genome position (GRCh38, 1-based): chr14:104,738,394, A>G. VCF-style: chr14-104738394-A-G. GRCh37 (hg19) VCF-style: chr14-105204731-A-G.
Other names: c.-285A>G (NM_001320424.1); c.443A>G, p.His148Arg (NM_199165.2); c.443A>G (NM_199165.1); short protein forms H148R, H105R.
Identifiers: ClinVar variation 3005211 (VCV003005211.3), dbSNP rs772867061, ClinGen allele CA7373604.